The following is an entry in ClinVar:

NM_015450.3(POT1):c.188G>C (p.Ser63Thr)

Gene: POT1 (protection of telomeres 1; minus strand). Cytogenetic location: 7q31.33.
Variant type: single nucleotide variant.
Coding change: c.188G>C on transcript NM_015450.3 (MANE Select); coding-DNA position 188, G replaced by C.
Protein change: p.Ser63Thr; replaces serine 63 with threonine.
Molecular consequence: missense variant. On other transcripts: non-coding transcript variant (3), intron variant (1).
Genome position (GRCh38, 1-based): chr7:124,870,978, C>G on the plus strand (G>C on the coding strand, the complement: POT1 is on the minus strand). VCF-style: chr7-124870978-C-G. GRCh37 (hg19) VCF-style: chr7-124511032-C-G.
Other names: c.-138-7338G>C (NM_001042594.2); short protein forms S63T.
Identifiers: ClinVar variation 653126 (VCV000653126.13), dbSNP rs1584777788, ClinGen allele CA369061514.

ClinVar aggregate classification (germline): Uncertain significance. Review status: criteria provided, multiple submitters, no conflicts (2 of 4 stars). 3 submissions from 3 submitters: Uncertain significance (3). Last evaluated 2024-12-30.

Conditions:
Tumor predisposition syndrome 3 (TPDS3). Also called: Melanoma, cutaneous malignant, susceptibility to, 10; Glioma susceptibility 9; LONG TELOMERE SYNDROME, POT1-RELATED; POT1 Tumor Predisposition. Identifiers: Orphanet 618, MedGen C4014476, MONDO:0014368, OMIM 615848.
Hereditary cancer-predisposing syndrome. Also called: Hereditary neoplastic syndrome; Hereditary Cancer Syndrome; Tumor predisposition; Neoplastic Syndromes, Hereditary. Identifiers: Orphanet 140162, MedGen C0027672, MeSH D009386, MONDO:0015356.

Allele frequency attached by ClinVar (database versions not stated): TOPMed below 0.00001.

Submissions (3):

GeneDx
Classification: Uncertain significance. Last evaluated: 2024-12-30. Review status: criteria provided, single submitter. Criteria: GeneDx Variant Classification Process June 2021. Collection method: clinical testing. Allele origin: germline.
Comment: Not observed at significant frequency in large population cohorts (gnomAD); In silico analysis indicates that this missense variant does not alter protein structure/function; Has not been previously published as pathogenic or benign to our knowledge; This variant is associated with the following publications: (PMID: 28393830)

Labcorp Genetics (formerly Invitae), Labcorp
Classification: Uncertain significance for Tumor predisposition syndrome 3. Last evaluated: 2024-07-24. Review status: criteria provided, single submitter. Criteria: Invitae Variant Classification Sherloc (09022015). Collection method: clinical testing. Allele origin: germline.
Comment: This sequence change replaces serine, which is neutral and polar, with threonine, which is neutral and polar, at codon 63 of the POT1 protein (p.Ser63Thr). This variant is not present in population databases (gnomAD no frequency). This variant has not been reported in the literature in individuals affected with POT1-related conditions. ClinVar contains an entry for this variant (Variation ID: 653126). Advanced modeling of protein sequence and biophysical properties (such as structural, functional, and spatial information, amino acid conservation, physicochemical variation, residue mobility, and thermodynamic stability) performed at Invitae indicates that this missense variant is not expected to disrupt POT1 protein function with a negative predictive value of 80%. In summary, the available evidence is currently insufficient to determine the role of this variant in disease. Therefore, it has been classified as a Variant of Uncertain Significance.

Ambry Genetics
Classification: Uncertain significance for Hereditary cancer-predisposing syndrome. Last evaluated: 2024-05-31. Review status: criteria provided, single submitter. Criteria: Ambry Variant Classification Scheme 2023. Collection method: clinical testing. Allele origin: germline.
Comment: The p.S63T variant (also known as c.188G>C), located in coding exon 3 of the POT1 gene, results from a G to C substitution at nucleotide position 188. The serine at codon 63 is replaced by threonine, an amino acid with similar properties. This amino acid position is well conserved in available vertebrate species. In addition, this alteration is predicted to be tolerated by in silico analysis. Since supporting evidence is limited at this time, the clinical significance of this alteration remains unclear.